The following is an entry in ClinVar:

ClinVar aggregate classification (germline): Likely benign. Review status: criteria provided, single submitter (1 of 4 stars). 2 submissions from 2 submitters: Likely benign (1). 1 of the submissions does not count toward it. Last evaluated 2026-06-01.

Conditions:
CSMD3-related disorder. Also called: CSMD3-related condition.

Allele frequency attached by ClinVar (database versions not stated): 1000 Genomes Project 30x 0.00016; 1000 Genomes Project 0.00020; TOPMed 0.00077; ESP Exome Variant Server 0.00092; gnomAD 0.00111; gnomAD exomes 0.00118; ExAC 0.00156.
gnomAD v4.1: 1,898 of 1,613,660 alleles (0.12%); highest among the groups gnomAD compares: Non-Finnish European, 0.11%; 7 homozygotes.

Submissions (2):

CeGaT Center for Human Genetics Tuebingen
Classification: Likely benign. Last evaluated: 2026-06-01. Review status: criteria provided, single submitter. Criteria: CeGaT Center For Human Genetics Tuebingen Variant Classification Criteria Version 2. Collection method: clinical testing. Allele origin: germline. Affected: yes. Observed: 1 variant allele.
Comment: CSMD3: PP3, BS2

PreventionGenetics, part of Exact Sciences
Classification: Benign for CSMD3-related condition. Last evaluated: 2019-09-23. Review status: no assertion criteria provided. Collection method: clinical testing. Allele origin: germline. Not counted in ClinVar's aggregate classification.
Comment: This variant is classified as benign based on ACMG/AMP sequence variant interpretation guidelines (Richards et al. 2015 PMID: 25741868, with internal and published modifications).

NM_198123.2(CSMD3):c.6710G>A (p.Gly2237Asp)

Gene: CSMD3 (CUB and Sushi multiple domains 3; minus strand). Cytogenetic location: 8q23.3.
Variant type: single nucleotide variant.
Coding change: c.6710G>A on transcript NM_198123.2 (MANE Select); coding-DNA position 6710, G replaced by A.
Protein change: p.Gly2237Asp; replaces glycine 2237 with aspartic acid.
Molecular consequence: missense variant.
Genome position (GRCh38, 1-based): chr8:112,337,674, C>T on the plus strand (G>A on the coding strand, the complement: CSMD3 is on the minus strand). VCF-style: chr8-112337674-C-T. GRCh37 (hg19) VCF-style: chr8-113349903-C-T.
Other names: c.6110G>A, p.Gly2037Asp (NM_001363185.1); c.6398G>A, p.Gly2133Asp (NM_052900.3); c.6590G>A, p.Gly2197Asp (NM_198124.2); short protein forms G2037D, G2133D, G2197D, G2237D.
Identifiers: ClinVar variation 3052832 (VCV003052832.3), dbSNP rs138248671, ClinGen allele CA4849492.
Genomic context (GRCh38, chr8:112,337,674, plus strand): 5'-ATTAATGTGTATCCTGGGAAACATTCAAATGAAATGGTTTGACCCACAGTAAAATCATTA[C>T]CAATTACAAAACCATTTCGAAACGGGCGTGGATCAGGACAGCTTTGCAACTGATAGGCTG-3'
Protein context (NP_937756.1, residues 2227-2247): PRPFRNGFVI[Gly2237Asp]NDFTVGQTIS